The following is an entry in ClinVar:

ClinVar aggregate classification (germline): Likely benign. Review status: criteria provided, multiple submitters, no conflicts (2 of 4 stars). 2 submissions from 2 submitters: Likely benign (2). Last evaluated 2024-09-03.

Conditions:
STAT3 gain of function. Identifiers: MedGen C4288261.
Hyper-IgE recurrent infection syndrome 1, autosomal dominant. Also called: JOB SYNDROME; Job's Syndrome; STAT3 Hyper IgE Syndrome; Hyper-IgE recurrent infection syndrome 1; HYPER-IgE SYNDROME 1, AUTOSOMAL DOMINANT, WITH RECURRENT INFECTIONS. Identifiers: Orphanet 2314, MedGen C2936739, MONDO:0007818, OMIM 147060.

Allele frequency attached by ClinVar (database versions not stated): ExAC 0.00002.
gnomAD v4.1: 14 of 1,614,222 alleles (0.00087%); highest among the groups gnomAD compares: Non-Finnish European, 0.0012%; no homozygotes.

Submissions (2):

Labcorp Genetics (formerly Invitae), Labcorp
Classification: Likely benign for STAT3 gain of function; Hyper-IgE recurrent infection syndrome 1, autosomal dominant. Last evaluated: 2024-09-03. Review status: criteria provided, single submitter. Criteria: Invitae Variant Classification Sherloc (09022015). Collection method: clinical testing. Allele origin: germline.

CeGaT Center for Human Genetics Tuebingen
Classification: Likely benign. Last evaluated: 2024-02-01. Review status: criteria provided, single submitter. Criteria: CeGaT Center For Human Genetics Tuebingen Variant Classification Criteria Version 2. Collection method: clinical testing. Allele origin: germline. Affected: yes. Observed: 1 variant allele.
Comment: STAT3: BP4, BP7

NM_139276.3(STAT3):c.909G>A (p.Pro303=)

Gene: STAT3 (signal transducer and activator of transcription 3; minus strand). Cytogenetic location: 17q21.2.
Variant type: single nucleotide variant.
Coding change: c.909G>A on transcript NM_139276.3 (MANE Select); coding-DNA position 909, G replaced by A.
Protein change: p.Pro303=; no amino-acid change (proline 303 retained).
Molecular consequence: synonymous variant.
Genome position (GRCh38, 1-based): chr17:42,333,938, C>T on the plus strand (G>A on the coding strand, the complement: STAT3 is on the minus strand). VCF-style: chr17-42333938-C-T. GRCh37 (hg19) VCF-style: chr17-40485956-C-T.
Other names: c.909G>A, p.Pro303= (NM_213662.2, NM_001369512.1, NM_001369513.1 and 15 more transcripts); c.831G>A, p.Pro277= (NM_001384985.1); c.813G>A, p.Pro271= (NM_001384989.1).
Identifiers: ClinVar variation 3025550 (VCV003025550.24), dbSNP rs764577805, ClinGen allele CA8575530.